The following is an entry in ClinVar:

NM_001348768.2(HECW2):c.1494T>A (p.Asp498Glu)

Gene: HECW2 (HECT, C2 and WW domain containing E3 ubiquitin protein ligase 2; minus strand). Cytogenetic location: 2q32.3.
Variant type: single nucleotide variant.
Coding change: c.1494T>A on transcript NM_001348768.2 (MANE Select); coding-DNA position 1494, T replaced by A.
Protein change: p.Asp498Glu; replaces aspartic acid 498 with glutamic acid.
Molecular consequence: missense variant.
Genome position (GRCh38, 1-based): chr2:196,319,396, A>T on the plus strand (T>A on the coding strand, the complement: HECW2 is on the minus strand). VCF-style: chr2-196319396-A-T. GRCh37 (hg19) VCF-style: chr2-197184120-A-T.
Other names: c.426T>A, p.Asp142Glu (NM_001304840.3); c.1494T>A, p.Asp498Glu (NM_020760.4); short protein forms D142E, D498E.
Identifiers: ClinVar variation 3907866 (VCV003907866.1).

ClinVar aggregate classification (germline): Uncertain significance (1 of 4 stars; one submission).

Submission:

GeneDx
Classification: Uncertain significance. Last evaluated: 2024-12-23. Review status: criteria provided, single submitter. Criteria: GeneDx Variant Classification Process June 2021. Collection method: clinical testing. Allele origin: germline. Affected: yes.
Comment: Not observed at significant frequency in large population cohorts (gnomAD); In silico analysis indicates that this missense variant does not alter protein structure/function; Has not been previously published as pathogenic or benign to our knowledge